The following is an entry in ClinVar:

NM_015450.3(POT1):c.91T>C (p.Phe31Leu)

Gene: POT1 (protection of telomeres 1; minus strand). Cytogenetic location: 7q31.33.
Variant type: single nucleotide variant.
Coding change: c.91T>C on transcript NM_015450.3 (MANE Select); coding-DNA position 91, T replaced by C.
Protein change: p.Phe31Leu; replaces phenylalanine 31 with leucine.
Molecular consequence: missense variant. On other transcripts: 5 prime UTR variant (1), non-coding transcript variant (3).
Genome position (GRCh38, 1-based): chr7:124,892,299, A>G on the plus strand (T>C on the coding strand, the complement: POT1 is on the minus strand). VCF-style: chr7-124892299-A-G. GRCh37 (hg19) VCF-style: chr7-124532353-A-G.
Other names: c.-172T>C (NM_001042594.2); short protein forms F31L.
Identifiers: ClinVar variation 3644709 (VCV003644709.2).

ClinVar aggregate classification (germline): Uncertain significance (1 of 4 stars; one submission).

Conditions:
Tumor predisposition syndrome 3 (TPDS3). Also called: Melanoma, cutaneous malignant, susceptibility to, 10; Glioma susceptibility 9; LONG TELOMERE SYNDROME, POT1-RELATED; POT1 Tumor Predisposition. Identifiers: Orphanet 618, MedGen C4014476, MONDO:0014368, OMIM 615848.

Submission:

Labcorp Genetics (formerly Invitae), Labcorp
Classification: Uncertain significance for Tumor predisposition syndrome 3. Last evaluated: 2024-03-06. Review status: criteria provided, single submitter. Criteria: Invitae Variant Classification Sherloc (09022015). Collection method: clinical testing. Allele origin: germline.
Comment: This sequence change replaces phenylalanine, which is neutral and non-polar, with leucine, which is neutral and non-polar, at codon 31 of the POT1 protein (p.Phe31Leu). This variant is not present in population databases (gnomAD no frequency). This variant has not been reported in the literature in individuals affected with POT1-related conditions. Advanced modeling of protein sequence and biophysical properties (such as structural, functional, and spatial information, amino acid conservation, physicochemical variation, residue mobility, and thermodynamic stability) performed at Invitae indicates that this missense variant is not expected to disrupt POT1 protein function with a negative predictive value of 80%. In summary, the available evidence is currently insufficient to determine the role of this variant in disease. Therefore, it has been classified as a Variant of Uncertain Significance.